The following is an entry in ClinVar:

NM_002386.4(MC1R):c.207G>C (p.Leu69=)

Gene: MC1R (melanocortin 1 receptor; plus strand). Cytogenetic location: 16q24.3.
Variant type: single nucleotide variant.
Coding change: c.207G>C on transcript NM_002386.4 (MANE Select); coding-DNA position 207, G replaced by C.
Protein change: p.Leu69=; no amino-acid change (leucine 69 retained).
Molecular consequence: synonymous variant.
Genome position (GRCh38, 1-based): chr16:89,919,465, G>C. VCF-style: chr16-89919465-G-C. GRCh37 (hg19) VCF-style: chr16-89985873-G-C.
Other names: c.207G>C (NM_002386.3).
Identifiers: ClinVar variation 2832137 (VCV002832137.4), dbSNP rs765848904, ClinGen allele CA497380938.

ClinVar aggregate classification (germline): Conflicting classifications of pathogenicity. Review status: criteria provided, conflicting classifications (1 of 4 stars). 2 submissions from 2 submitters: Uncertain significance (1); Likely benign (1). Last evaluated 2025-05-29.

Conditions:
Melanoma, cutaneous malignant, susceptibility to, 5. Also called: Cutaneous malignant melanoma 5. Identifiers: Orphanet 618, MedGen C2751295, MONDO:0013133, OMIM 613099.

Submissions (2):

Ambry Genetics
Classification: Likely benign. Last evaluated: 2025-05-29. Review status: criteria provided, single submitter. Criteria: Ambry Variant Classification Scheme 2023. Collection method: clinical testing. Allele origin: germline.

Labcorp Genetics (formerly Invitae), Labcorp
Classification: Uncertain significance for Melanoma, cutaneous malignant, susceptibility to, 5. Last evaluated: 2023-01-26. Review status: criteria provided, single submitter. Criteria: Invitae Variant Classification Sherloc (09022015). Collection method: clinical testing. Allele origin: germline.
Comment: This sequence change affects codon 69 of the MC1R mRNA. It is a 'silent' change, meaning that it does not change the encoded amino acid sequence of the MC1R protein. In summary, the available evidence is currently insufficient to determine the role of this variant in disease. Therefore, it has been classified as a Variant of Uncertain Significance. This variant has not been reported in the literature in individuals affected with MC1R-related conditions. This variant is not present in population databases (gnomAD no frequency).